The following is an entry in ClinVar:

NM_001378183.1(PIEZO2):c.1196G>A (p.Arg399Lys)

Gene: PIEZO2 (piezo type mechanosensitive ion channel component 2; minus strand). Cytogenetic location: 18p11.22.
Variant type: single nucleotide variant.
Coding change: c.1196G>A on transcript NM_001378183.1 (MANE Select); coding-DNA position 1196, G replaced by A.
Protein change: p.Arg399Lys; replaces arginine 399 with lysine.
Molecular consequence: missense variant.
Genome position (GRCh38, 1-based): chr18:10,803,879, C>T on the plus strand (G>A on the coding strand, the complement: PIEZO2 is on the minus strand). VCF-style: chr18-10803879-C-T. GRCh37 (hg19) VCF-style: chr18-10803877-C-T.
Other names: c.1196G>A, p.Arg399Lys (NM_001410871.1, NM_022068.4); short protein forms R399K.
Identifiers: ClinVar variation 1940534 (VCV001940534.5), dbSNP rs1453909658, ClinGen allele CA401925551.
Genomic context (GRCh38, chr18:10,803,879, plus strand): 5'-GTAAAATACAAAAACAGAAAAATTAGGGAACGGAAATCCCTTTCATCATGGCTTACTTTT[C>T]TCTCATCAGTGGGGTAATGGGTTGCGTACCACAGGCTCCGCCTCCTCCCCGCTGTTATTT-3'
Protein context (NP_001365112.1, residues 389-409): WYATHYPTDE[Arg399Lys]KLLSMTQDDY

ClinVar aggregate classification (germline): Uncertain significance (1 of 4 stars; one submission).

Allele frequency attached by ClinVar (database versions not stated): gnomAD exomes below 0.00001; gnomAD 0.00001; TOPMed 0.00001.
gnomAD v4.1: 6 of 1,536,722 alleles (0.00039%); highest among the groups gnomAD compares: Non-Finnish European, 0.00052%; no homozygotes.

Submission:

Labcorp Genetics (formerly Invitae), Labcorp
Classification: Uncertain significance. Last evaluated: 2022-06-01. Review status: criteria provided, single submitter. Criteria: Invitae Variant Classification Sherloc (09022015). Collection method: clinical testing. Allele origin: germline.
Comment: In summary, the available evidence is currently insufficient to determine the role of this variant in disease. Therefore, it has been classified as a Variant of Uncertain Significance. Advanced modeling of protein sequence and biophysical properties (such as structural, functional, and spatial information, amino acid conservation, physicochemical variation, residue mobility, and thermodynamic stability) performed at Invitae indicates that this missense variant is not expected to disrupt PIEZO2 protein function. This variant has not been reported in the literature in individuals affected with PIEZO2-related conditions. This variant is not present in population databases (gnomAD no frequency). This sequence change replaces arginine, which is basic and polar, with lysine, which is basic and polar, at codon 399 of the PIEZO2 protein (p.Arg399Lys).